The following is an entry in ClinVar:

ClinVar aggregate classification (germline): Likely benign. Review status: criteria provided, multiple submitters, no conflicts (2 of 4 stars). 3 submissions from 3 submitters: Likely benign (2). 1 of the submissions does not count toward it. Last evaluated 2025-11-01.

Conditions:
DNAH2-related disorder. Also called: DNAH2-related condition.

Allele frequency attached by ClinVar (database versions not stated): 1000 Genomes Project 30x 0.00297; 1000 Genomes Project 0.00300; ExAC 0.00402; TOPMed 0.00437; ESP Exome Variant Server 0.00438; gnomAD 0.00450.
gnomAD v4.1: 8,515 of 1,612,474 alleles (0.53%); highest among the groups gnomAD compares: Middle Eastern, 0.91%; 27 homozygotes.

Submissions (3):

CeGaT Center for Human Genetics Tuebingen
Classification: Likely benign. Last evaluated: 2025-11-01. Review status: criteria provided, single submitter. Criteria: CeGaT Center For Human Genetics Tuebingen Variant Classification Criteria Version 2. Collection method: clinical testing. Allele origin: germline. Affected: yes. Observed: 3 variant alleles.
Comment: DNAH2: BP4, BP7, BS2

Blueprint Genetics
Classification: Likely benign. Last evaluated: 2024-11-27. Review status: criteria provided, single submitter. Criteria: ACMG Guidelines, 2015. Collection method: clinical testing. Allele origin: germline.

PreventionGenetics, part of Exact Sciences
Classification: Likely benign for DNAH2-related condition. Last evaluated: 2019-02-21. Review status: no assertion criteria provided. Collection method: clinical testing. Allele origin: germline. Not counted in ClinVar's aggregate classification.
Comment: This variant is classified as likely benign based on ACMG/AMP sequence variant interpretation guidelines (Richards et al. 2015 PMID: 25741868, with internal and published modifications).

NM_020877.5(DNAH2):c.9699G>A (p.Ala3233=)

Gene: DNAH2 (dynein axonemal heavy chain 2; plus strand). Cytogenetic location: 17p13.1.
Variant type: single nucleotide variant.
Coding change: c.9699G>A on transcript NM_020877.5 (MANE Select); coding-DNA position 9699, G replaced by A.
Protein change: p.Ala3233=; no amino-acid change (alanine 3233 retained).
Molecular consequence: synonymous variant.
Genome position (GRCh38, 1-based): chr17:7,807,556, G>A. VCF-style: chr17-7807556-G-A. GRCh37 (hg19) VCF-style: chr17-7710874-G-A.
Identifiers: ClinVar variation 2647384 (VCV002647384.26), dbSNP rs146334962, ClinGen allele CA8358802.